The following is an entry in ClinVar:

NM_003055.3(SLC18A3):c.225C>T (p.Pro75=)

Genes: CHAT (choline O-acetyltransferase; plus strand), SLC18A3 (solute carrier family 18 member A3; plus strand). Cytogenetic location: 10q11.23.
Variant type: single nucleotide variant.
Coding change: c.225C>T on transcript NM_003055.3 (MANE Select); coding-DNA position 225, C replaced by T.
Protein change: p.Pro75=; no amino-acid change (proline 75 retained).
Molecular consequence: synonymous variant. On other transcripts: intron variant (1).
Genome position (GRCh38, 1-based): chr10:49,610,965, C>T. VCF-style: chr10-49610965-C-T. GRCh37 (hg19) VCF-style: chr10-50819011-C-T.
Other names: c.-69+1766C>T (NM_020984.4).
Identifiers: ClinVar variation 2582879 (VCV002582879.23), dbSNP rs752369107, ClinGen allele CA5496714.

ClinVar aggregate classification (germline): Likely benign (1 of 4 stars; one submission).

Allele frequency attached by ClinVar (database versions not stated): ExAC 0.00001; gnomAD 0.00001; TOPMed 0.00001.
gnomAD v4.1: 4 of 1,611,102 alleles (0.00025%); highest among the groups gnomAD compares: East Asian, 0.0045%; no homozygotes.

Submission:

CeGaT Center for Human Genetics Tuebingen
Classification: Likely benign. Last evaluated: 2023-10-01. Review status: criteria provided, single submitter. Criteria: CeGaT Center For Human Genetics Tuebingen Variant Classification Criteria Version 2. Collection method: clinical testing. Allele origin: germline. Affected: yes. Observed: 1 variant allele.
Comment: SLC18A3: BP4, BP7